The following is an entry in ClinVar:

ClinVar aggregate classification (germline): Uncertain significance. Review status: criteria provided, multiple submitters, no conflicts (2 of 4 stars). 2 submissions from 2 submitters: Uncertain significance (2). Last evaluated 2025-05-30.

gnomAD v4.1: 8 of 1,206,901 alleles (0.00066%); highest among the groups gnomAD compares: African/African-American, 0.014%; no homozygotes.

Submissions (2):

Labcorp Genetics (formerly Invitae), Labcorp
Classification: Uncertain significance. Last evaluated: 2025-05-30. Review status: criteria provided, single submitter. Criteria: Invitae Variant Classification Sherloc (09022015). Collection method: clinical testing. Allele origin: germline.
Comment: This sequence change replaces glycine, which is neutral and non-polar, with alanine, which is neutral and non-polar, at codon 724 of the COL4A6 protein (p.Gly724Ala). This variant is present in population databases (rs772769800, gnomAD 0.03%). This variant has not been reported in the literature in individuals affected with COL4A6-related conditions. ClinVar contains an entry for this variant (Variation ID: 3835285). Invitae Evidence Modeling of protein sequence and biophysical properties (such as structural, functional, and spatial information, amino acid conservation, physicochemical variation, residue mobility, and thermodynamic stability) indicates that this missense variant is expected to disrupt COL4A6 protein function with a positive predictive value of 80%. In summary, the available evidence is currently insufficient to determine the role of this variant in disease. Therefore, it has been classified as a Variant of Uncertain Significance.

Ambry Genetics
Classification: Uncertain significance. Last evaluated: 2025-01-23. Review status: criteria provided, single submitter. Criteria: Ambry Variant Classification Scheme 2023. Collection method: clinical testing. Allele origin: germline.

NM_033641.4(COL4A6):c.2168G>C (p.Gly723Ala)

Gene: COL4A6 (collagen type IV alpha 6 chain; minus strand). Cytogenetic location: Xq22.3.
Variant type: single nucleotide variant.
Coding change: c.2168G>C on transcript NM_033641.4 (MANE Select); coding-DNA position 2168, G replaced by C.
Protein change: p.Gly723Ala; replaces glycine 723 with alanine.
Molecular consequence: missense variant.
Genome position (GRCh38, 1-based): chrX:108,179,402, C>G on the plus strand (G>C on the coding strand, the complement: COL4A6 is on the minus strand). VCF-style: chrX-108179402-C-G. GRCh37 (hg19) VCF-style: chrX-107422632-C-G.
Other names: c.2219G>C, p.Gly740Ala (NM_001287758.2); c.2168G>C, p.Gly723Ala (NM_001287759.2, NM_001287760.2); c.2171G>C, p.Gly724Ala (NM_001847.4); short protein forms G724A, G723A, G740A.
Identifiers: ClinVar variation 3835285 (VCV003835285.2).